The following is an entry in ClinVar:

ClinVar aggregate classification (germline): Uncertain significance (1 of 4 stars; one submission).

Conditions:
DICER1-related tumor predisposition. Also called: DICER1 syndrome; DICER1-related pleuropulmonary blastoma cancer predisposition syndrome. Identifiers: Orphanet 284343, MedGen C3839822, MONDO:0100216.

Submission:

Labcorp Genetics (formerly Invitae), Labcorp
Classification: Uncertain significance for DICER1-related tumor predisposition. Last evaluated: 2025-11-10. Review status: criteria provided, single submitter. Criteria: Invitae Variant Classification Sherloc (09022015). Collection method: clinical testing. Allele origin: germline.
Comment: This sequence change replaces aspartic acid, which is acidic and polar, with histidine, which is basic and polar, at codon 1233 of the DICER1 protein (p.Asp1233His). This variant is not present in population databases (gnomAD no frequency). This variant has not been reported in the literature in individuals affected with DICER1-related conditions. ClinVar contains an entry for this variant (Variation ID: 2128318). Invitae Evidence Modeling of protein sequence and biophysical properties (such as structural, functional, and spatial information, amino acid conservation, physicochemical variation, residue mobility, and thermodynamic stability) indicates that this missense variant is not expected to disrupt DICER1 protein function with a negative predictive value of 95%. In summary, the available evidence is currently insufficient to determine the role of this variant in disease. Therefore, it has been classified as a Variant of Uncertain Significance.

NM_177438.3(DICER1):c.3697G>C (p.Asp1233His)

Gene: DICER1 (dicer 1, ribonuclease III; minus strand). Cytogenetic location: 14q32.13.
Variant type: single nucleotide variant.
Coding change: c.3697G>C on transcript NM_177438.3 (MANE Select); coding-DNA position 3697, G replaced by C.
Protein change: p.Asp1233His; replaces aspartic acid 1233 with histidine.
Molecular consequence: missense variant. On other transcripts: non-coding transcript variant (6).
Genome position (GRCh38, 1-based): chr14:95,103,699, C>G on the plus strand (G>C on the coding strand, the complement: DICER1 is on the minus strand). VCF-style: chr14-95103699-C-G. GRCh37 (hg19) VCF-style: chr14-95570036-C-G.
Other names: c.3697G>C, p.Asp1233His (NM_001195573.1, NM_001271282.3, NM_001291628.2 and 13 more transcripts); c.3415G>C, p.Asp1139His (NM_001395686.1); c.3292G>C, p.Asp1098His (NM_001395687.1, NM_001395688.1, NM_001395689.1 and 2 more transcripts); c.3130G>C, p.Asp1044His (NM_001395691.1); c.2014G>C, p.Asp672His (NM_001395697.1); short protein forms D1044H, D1098H, D1139H, D672H, D1233H.
Identifiers: ClinVar variation 2128318 (VCV002128318.4), dbSNP rs1454503348, ClinGen allele CA390874307.
Genomic context (GRCh38, chr14:95,103,699, plus strand): 5'-CTGAGGTAGATTTGTTAGCATTTCCATCAAGGTATTTATTACTCAGGAGAGTACATTCAT[C>G]GCTGGGCTGGGGCTGGTTCTCGTAACTGTATAAATTCTGAATGGAATATGAGGTAGTTGG-3'
Protein context (NP_803187.1, residues 1223-1243): YSYENQPQPS[Asp1233His]ECTLLSNKYL